The following is an entry in ClinVar:

NM_000271.5(NPC1):c.3053C>T (p.Ala1018Val)

Gene: NPC1 (NPC intracellular cholesterol transporter 1; minus strand). Cytogenetic location: 18q11.2.
Variant type: single nucleotide variant.
Coding change: c.3053C>T on transcript NM_000271.5 (MANE Select); coding-DNA position 3053, C replaced by T.
Protein change: p.Ala1018Val; replaces alanine 1018 with valine.
Molecular consequence: missense variant.
Genome position (GRCh38, 1-based): chr18:23,536,865, G>A on the plus strand (C>T on the coding strand, the complement: NPC1 is on the minus strand). VCF-style: chr18-23536865-G-A. GRCh37 (hg19) VCF-style: chr18-21116829-G-A.
Other names: short protein forms A1018V.
Identifiers: ClinVar variation 1383869 (VCV001383869.5), dbSNP rs2145358077, ClinGen allele CA401792037.

ClinVar aggregate classification (germline): Uncertain significance (1 of 4 stars; one submission).

Conditions:
Niemann-Pick disease, type C1. Also called: NIEMANN-PICK DISEASE, VARIANT TYPE C1; NEUROVISCERAL STORAGE DISEASE WITH VERTICAL SUPRANUCLEAR OPHTHALMOPLEGIA; NIEMANN-PICK DISEASE WITH CHOLESTEROL ESTERIFICATION BLOCK; NIEMANN-PICK DISEASE WITHOUT SPHINGOMYELINASE DEFICIENCY; NIEMANN-PICK DISEASE, CHRONIC NEURONOPATHIC FORM. Identifiers: Orphanet 646, MedGen C3179455, MONDO:0009757, OMIM 257220.

Allele frequency attached by ClinVar (database versions not stated): gnomAD exomes below 0.00001.
gnomAD v4.1: 2 of 1,613,826 alleles (0.00012%); highest among the groups gnomAD compares: African/African-American, 0.0013%; no homozygotes.

Submission:

Labcorp Genetics (formerly Invitae), Labcorp
Classification: Uncertain significance for Niemann-Pick disease, type C1. Last evaluated: 2022-07-19. Review status: criteria provided, single submitter. Criteria: Invitae Variant Classification Sherloc (09022015). Collection method: clinical testing. Allele origin: germline.
Comment: This sequence change replaces alanine, which is neutral and non-polar, with valine, which is neutral and non-polar, at codon 1018 of the NPC1 protein (p.Ala1018Val). This variant is not present in population databases (gnomAD no frequency). This variant has not been reported in the literature in individuals affected with NPC1-related conditions. ClinVar contains an entry for this variant (Variation ID: 1383869). Advanced modeling of protein sequence and biophysical properties (such as structural, functional, and spatial information, amino acid conservation, physicochemical variation, residue mobility, and thermodynamic stability) performed at Invitae indicates that this missense variant is expected to disrupt NPC1 protein function. In summary, the available evidence is currently insufficient to determine the role of this variant in disease. Therefore, it has been classified as a Variant of Uncertain Significance.